The following is an entry in ClinVar:

ClinVar aggregate classification (germline): Uncertain significance (0 of 4 stars; one submission).

Conditions:
GNAS-related disorder. Identifiers: MedGen CN380105.

gnomAD v4.1: 1 of 1,587,224 alleles (0.000063%); highest among the groups gnomAD compares: Non-Finnish European, 0.000086%; no homozygotes.

Submission:

PreventionGenetics, part of Exact Sciences
Classification: Uncertain significance for GNAS-related condition. Last evaluated: 2024-09-06. Review status: no assertion criteria provided. Collection method: clinical testing. Allele origin: germline.
Comment: The GNAS c.2002C>T variant is predicted to result in the amino acid substitution p.Leu668Phe. To our knowledge, this variant has not been reported in the literature or in a large population database, indicating this variant is rare. At this time, the clinical significance of this variant is uncertain due to the absence of conclusive functional and genetic evidence.

NM_080425.4(GNAS):c.2002C>T (p.Leu668Phe)

Gene: GNAS (GNAS complex locus; plus strand). Cytogenetic location: 20q13.32.
Variant type: single nucleotide variant.
Coding change: c.2002C>T on transcript NM_080425.4 (MANE Plus Clinical); coding-DNA position 2002, C replaced by T.
Protein change: p.Leu668Phe; replaces leucine 668 with phenylalanine.
Molecular consequence: missense variant. On other transcripts: synonymous variant (2), intron variant (3).
Genome position (GRCh38, 1-based): chr20:58,855,267, C>T. VCF-style: chr20-58855267-C-T. GRCh37 (hg19) VCF-style: chr20-57430322-C-T.
Other names: c.1815C>T, p.Ser605= (NM_001077490.3, NM_001309883.1); c.2002C>T, p.Leu668Phe (NM_001410913.1); c.*42+14381C>T (NM_016592.5); c.43+14381C>T (NM_001410912.1); c.-39+13392C>T (NM_001309861.2); short protein forms L668F.
Identifiers: ClinVar variation 3358065 (VCV003358065.1).
Genomic context (GRCh38, chr20:58,855,267, plus strand): 5'-ATGCGCAAAGAAGCCCTGGAGAAGCGGGCCCAGAAGCGCGCAGAGAAGAAACGCAGTAAG[C>T]TCATCGACAAACAACTCCAGGACGAAAAGATGGGCTACATGTGTACGCACCGCCTGCTGC-3'
Protein context (NP_536350.2, residues 658-678): QKRAEKKRSK[Leu668Phe]IDKQLQDEKM